The following is an entry in ClinVar:

NM_000548.5(TSC2):c.1786C>A (p.Leu596Ile)

Gene: TSC2 (TSC complex subunit 2; plus strand). Cytogenetic location: 16p13.3.
Variant type: single nucleotide variant.
Coding change: c.1786C>A on transcript NM_000548.5 (MANE Select); coding-DNA position 1786, C replaced by A.
Protein change: p.Leu596Ile; replaces leucine 596 with isoleucine.
Molecular consequence: missense variant.
Genome position (GRCh38, 1-based): chr16:2,070,525, C>A. VCF-style: chr16-2070525-C-A. GRCh37 (hg19) VCF-style: chr16-2120526-C-A.
Other names: c.1786C>A, p.Leu596Ile (NM_001077183.3, NM_001114382.3, NM_001363528.2 and 3 more transcripts); c.1675C>A, p.Leu559Ile (NM_001318827.2); c.1639C>A, p.Leu547Ile (NM_001318829.2); c.1186C>A, p.Leu396Ile (NM_001318831.2); c.1819C>A, p.Leu607Ile (NM_001318832.2); c.1786C>A (NM_000548.3); short protein forms L396I, L547I, L559I, L596I, L607I.
Identifiers: ClinVar variation 999077 (VCV000999077.10), dbSNP rs2088136491, ClinGen allele CA394272919.

ClinVar aggregate classification (germline): Uncertain significance. Review status: criteria provided, multiple submitters, no conflicts (2 of 4 stars). 2 submissions from 2 submitters: Uncertain significance (2). Last evaluated 2026-05-14.

Conditions:
Hereditary cancer-predisposing syndrome. Also called: Hereditary Cancer Syndrome; Neoplastic Syndromes, Hereditary; Tumor predisposition; Hereditary neoplastic syndrome. Identifiers: Orphanet 140162, MedGen C0027672, MeSH D009386, MONDO:0015356.
Tuberous sclerosis 2 (TSC2). Identifiers: Orphanet 805, MedGen C1860707, MONDO:0013199, OMIM 613254.

Submissions (2):

Ambry Genetics
Classification: Uncertain significance for Hereditary cancer-predisposing syndrome. Last evaluated: 2026-05-14. Review status: criteria provided, single submitter. Criteria: Ambry Variant Classification Scheme 2023. Collection method: clinical testing. Allele origin: germline.
Comment: The p.L596I variant (also known as c.1786C>A), located in coding exon 16 of the TSC2 gene, results from a C to A substitution at nucleotide position 1786. The leucine at codon 596 is replaced by isoleucine, an amino acid with highly similar properties. This amino acid position is conserved. In addition, the in silico prediction for this alteration is inconclusive. Based on the available evidence, the clinical significance of this variant remains unclear.

Labcorp Genetics (formerly Invitae), Labcorp
Classification: Uncertain significance for Tuberous sclerosis 2. Last evaluated: 2024-04-23. Review status: criteria provided, single submitter. Criteria: Invitae Variant Classification Sherloc (09022015). Collection method: clinical testing. Allele origin: germline.
Comment: This sequence change replaces leucine, which is neutral and non-polar, with isoleucine, which is neutral and non-polar, at codon 596 of the TSC2 protein (p.Leu596Ile). This variant is not present in population databases (gnomAD no frequency). This variant has not been reported in the literature in individuals affected with TSC2-related conditions. ClinVar contains an entry for this variant (Variation ID: 999077). Advanced modeling of protein sequence and biophysical properties (such as structural, functional, and spatial information, amino acid conservation, physicochemical variation, residue mobility, and thermodynamic stability) performed at Invitae indicates that this missense variant is not expected to disrupt TSC2 protein function with a negative predictive value of 95%. In summary, the available evidence is currently insufficient to determine the role of this variant in disease. Therefore, it has been classified as a Variant of Uncertain Significance.